The following is an entry in ClinVar:

NM_001354930.2(RIPK1):c.535G>A (p.Val179Met)

Gene: RIPK1 (receptor interacting serine/threonine kinase 1; plus strand). Cytogenetic location: 6p25.2.
Variant type: single nucleotide variant.
Coding change: c.535G>A on transcript NM_001354930.2 (MANE Select); coding-DNA position 535, G replaced by A.
Protein change: p.Val179Met; replaces valine 179 with methionine.
Molecular consequence: missense variant.
Genome position (GRCh38, 1-based): chr6:3,083,160, G>A. VCF-style: chr6-3083160-G-A. GRCh37 (hg19) VCF-style: chr6-3083394-G-A.
Other names: c.46G>A, p.Val16Met (NM_001317061.3, NM_001354932.2, NM_001354933.2 and 1 more transcripts); c.397G>A, p.Val133Met (NM_001354931.2); c.535G>A, p.Val179Met (NM_003804.6); short protein forms V179M, V133M, V16M.
Identifiers: ClinVar variation 4777342 (VCV004777342.1).

ClinVar aggregate classification (germline): Uncertain significance (1 of 4 stars; one submission).

gnomAD v4.1: 2 of 1,614,056 alleles (0.00012%); highest among the groups gnomAD compares: Admixed American, 0.0033%; no homozygotes.

Submission:

Labcorp Genetics (formerly Invitae), Labcorp
Classification: Uncertain significance. Last evaluated: 2025-12-15. Review status: criteria provided, single submitter. Criteria: Invitae Variant Classification Sherloc (09022015). Collection method: clinical testing. Allele origin: germline.
Comment: This sequence change replaces valine, which is neutral and non-polar, with methionine, which is neutral and non-polar, at codon 179 of the RIPK1 protein (p.Val179Met). This variant is present in population databases (rs754180202, gnomAD 0.006%). This variant has not been reported in the literature in individuals affected with RIPK1-related conditions. An algorithm developed to predict the effect of missense changes on protein structure and function outputs the following: PolyPhen-2: "Benign". The methionine amino acid residue is found in multiple mammalian species, which suggests that this missense change does not adversely affect protein function. In summary, the available evidence is currently insufficient to determine the role of this variant in disease. Therefore, it has been classified as a Variant of Uncertain Significance.